The following is an entry in ClinVar:

NM_001035.3(RYR2):c.3952G>C (p.Val1318Leu)

Genes: RYR2 (ryanodine receptor 2; plus strand), LOC126806067 (BRD4-independent group 4 enhancer GRCh37_chr1:237753258-237754457; plus strand). Cytogenetic location: 1q43.
Variant type: single nucleotide variant.
Coding change: c.3952G>C on transcript NM_001035.3 (MANE Select); coding-DNA position 3952, G replaced by C.
Protein change: p.Val1318Leu; replaces valine 1318 with leucine.
Molecular consequence: missense variant.
Genome position (GRCh38, 1-based): chr1:237,590,784, G>C. VCF-style: chr1-237590784-G-C. GRCh37 (hg19) VCF-style: chr1-237754084-G-C.
Other names: short protein forms V1318L.
Identifiers: ClinVar variation 839466 (VCV000839466.13), dbSNP rs1675068916, ClinGen allele CA345397428.

ClinVar aggregate classification (germline): Uncertain significance. Review status: criteria provided, multiple submitters, no conflicts (2 of 4 stars). 4 submissions from 4 submitters: Uncertain significance (4). Last evaluated 2026-01-04.

Conditions:
Catecholaminergic polymorphic ventricular tachycardia 1. Also called: VENTRICULAR TACHYCARDIA, CATECHOLAMINERGIC POLYMORPHIC, 1, WITH OR WITHOUT ATRIAL DYSFUNCTION AND/OR DILATED CARDIOMYOPATHY; VENTRICULAR TACHYCARDIA, STRESS-INDUCED POLYMORPHIC 1; RYR2-Related Catecholaminergic Polymorphic Ventricular Tachycardia. Identifiers: Orphanet 3286, MedGen C1631597, MONDO:0011484, OMIM 604772.
Cardiomyopathy (CMYO). Also called: Cardiomyopathies. Identifiers: Orphanet 167848, MedGen C0878544, MONDO:0004994, HP:0001638. Inheritance: Various modes of inheritance.

Allele frequency attached by ClinVar (database versions not stated): TOPMed below 0.00001.
gnomAD v4.1: 7 of 1,613,940 alleles (0.00043%); highest among the groups gnomAD compares: Non-Finnish European, 0.00059%; no homozygotes.

Submissions (4):

Labcorp Genetics (formerly Invitae), Labcorp
Classification: Uncertain significance for Catecholaminergic polymorphic ventricular tachycardia 1. Last evaluated: 2026-01-04. Review status: criteria provided, single submitter. Criteria: Invitae Variant Classification Sherloc (09022015). Collection method: clinical testing. Allele origin: germline.
Comment: This sequence change replaces valine, which is neutral and non-polar, with leucine, which is neutral and non-polar, at codon 1318 of the RYR2 protein (p.Val1318Leu). This variant is not present in population databases (gnomAD no frequency). This variant has not been reported in the literature in individuals affected with RYR2-related conditions. ClinVar contains an entry for this variant (Variation ID: 839466). Invitae Evidence Modeling of protein sequence and biophysical properties (such as structural, functional, and spatial information, amino acid conservation, physicochemical variation, residue mobility, and thermodynamic stability) indicates that this missense variant is not expected to disrupt RYR2 protein function with a negative predictive value of 95%. In summary, the available evidence is currently insufficient to determine the role of this variant in disease. Therefore, it has been classified as a Variant of Uncertain Significance.

Color Diagnostics, LLC DBA Color Health
Classification: Uncertain significance for Cardiomyopathy. Last evaluated: 2025-08-24. Review status: criteria provided, single submitter. Criteria: ACMG Guidelines, 2015. Collection method: clinical testing. Allele origin: germline.
Comment: This missense variant replaces valine with leucine at codon 1318 of the RYR2 protein. Computational prediction suggests that this variant may not impact protein structure and function. To our knowledge, functional studies have not been reported for this variant. This variant has not been reported in individuals affected with RYR2-related disorders in the literature. This variant has not been identified in the general population by the Genome Aggregation Database (gnomAD). The available evidence is insufficient to determine the role of this variant in disease conclusively. Therefore, this variant is classified as a Variant of Uncertain Significance.

GeneDx
Classification: Uncertain significance. Last evaluated: 2025-06-06. Review status: criteria provided, single submitter. Criteria: GeneDx Variant Classification Process June 2021. Collection method: clinical testing. Allele origin: germline. Affected: yes.
Comment: Not observed at significant frequency in large population cohorts (gnomAD); In silico analysis suggests that this missense variant does not alter protein structure/function; Has not been previously published as pathogenic or benign to our knowledge; Not located in one of the three hot-spot regions of the RYR2 gene, where the majority of pathogenic missense variants occur (PMID: 19926015); This variant is associated with the following publications: (PMID: 19926015)

Women's Health and Genetics/Laboratory Corporation of America, LabCorp
Classification: Uncertain significance. Last evaluated: 2025-05-14. Review status: criteria provided, single submitter. Criteria: LabCorp Variant Classification Summary - May 2015. Collection method: clinical testing. Allele origin: germline.
Comment: Variant summary: RYR2 c.3952G>C (p.Val1318Leu) results in a conservative amino acid change in the encoded protein sequence. Algorithms developed to predict the effect of missense changes on protein structure and function all suggest that this variant is likely to be tolerated. The variant was absent in 248942 control chromosomes. The available data on variant occurrences in the general population are insufficient to allow any conclusion about variant significance. To our knowledge, no occurrence of c.3952G>C in individuals affected with Catecholaminergic Polymorphic Ventricular Tachycardia and no experimental evidence demonstrating its impact on protein function have been reported. ClinVar contains an entry for this variant (Variation ID: 839466). Based on the evidence outlined above, the variant was classified as uncertain significance.